The following is an entry in ClinVar:

NM_015910.7(WDPCP):c.2123C>A (p.Ser708Tyr)

Gene: WDPCP (WD repeat containing planar cell polarity effector; minus strand). Cytogenetic location: 2p15.
Variant type: single nucleotide variant.
Coding change: c.2123C>A on transcript NM_015910.7 (MANE Select); coding-DNA position 2123, C replaced by A.
Protein change: p.Ser708Tyr; replaces serine 708 with tyrosine.
Molecular consequence: missense variant. On other transcripts: non-coding transcript variant (3).
Genome position (GRCh38, 1-based): chr2:63,153,530, G>T on the plus strand (C>A on the coding strand, the complement: WDPCP is on the minus strand). VCF-style: chr2-63153530-G-T. GRCh37 (hg19) VCF-style: chr2-63380665-G-T.
Other names: c.1646C>A, p.Ser549Tyr (NM_001042692.3); c.2051C>A, p.Ser684Tyr (NM_001354044.2); short protein forms S549Y, S684Y, S708Y.
Identifiers: ClinVar variation 1041289 (VCV001041289.8), dbSNP rs1672022341, ClinGen allele CA347060755.

ClinVar aggregate classification (germline): Uncertain significance (1 of 4 stars; one submission).

Conditions:
Bardet-Biedl syndrome (BBS). Identifiers: Orphanet 110, MedGen C0752166, MONDO:0015229.

Submission:

Labcorp Genetics (formerly Invitae), Labcorp
Classification: Uncertain significance for Bardet-Biedl syndrome. Last evaluated: 2022-01-12. Review status: criteria provided, single submitter. Criteria: Invitae Variant Classification Sherloc (09022015). Collection method: clinical testing. Allele origin: germline.
Comment: ClinVar contains an entry for this variant (Variation ID: 1041289). This sequence change replaces serine, which is neutral and polar, with tyrosine, which is neutral and polar, at codon 708 of the WDPCP protein (p.Ser708Tyr). This variant is not present in population databases (gnomAD no frequency). This variant has not been reported in the literature in individuals affected with WDPCP-related conditions. Algorithms developed to predict the effect of missense changes on protein structure and function (SIFT, PolyPhen-2, Align-GVGD) all suggest that this variant is likely to be tolerated. In summary, the available evidence is currently insufficient to determine the role of this variant in disease. Therefore, it has been classified as a Variant of Uncertain Significance.